The following is an entry in ClinVar:

NM_001384732.1(CPLANE1):c.8474C>T (p.Thr2825Ile)

Gene: CPLANE1 (ciliogenesis and planar polarity effector complex subunit 1; minus strand). Cytogenetic location: 5p13.2.
Variant type: single nucleotide variant.
Coding change: c.8474C>T on transcript NM_001384732.1 (MANE Select); coding-DNA position 8474, C replaced by T.
Protein change: p.Thr2825Ile; replaces threonine 2825 with isoleucine.
Molecular consequence: missense variant.
Genome position (GRCh38, 1-based): chr5:37,142,468, G>A on the plus strand (C>T on the coding strand, the complement: CPLANE1 is on the minus strand). VCF-style: chr5-37142468-G-A. GRCh37 (hg19) VCF-style: chr5-37142570-G-A.
Other names: c.8312C>T, p.Thr2771Ile (NM_023073.4); short protein forms T2771I, T2825I.
Identifiers: ClinVar variation 904434 (VCV000904434.11), dbSNP rs142316931, ClinGen allele CA3237767.

ClinVar aggregate classification (germline): Uncertain significance. Review status: criteria provided, multiple submitters, no conflicts (2 of 4 stars). 3 submissions from 3 submitters: Uncertain significance (3). Last evaluated 2024-01-16.

Conditions:
Joubert syndrome 17 (JBTS17). Identifiers: Orphanet 475, MedGen C3553264, MONDO:0013824, OMIM 614615.
Orofaciodigital syndrome type 6 (OFD6). Also called: OROFACIODIGITAL SYNDROME VI; OFDS VI; POLYDACTYLY, CLEFT LIP/PALATE OR LINGUAL LUMP, AND PSYCHOMOTOR RETARDATION; VARADI SYNDROME; VARADI-PAPP SYNDROME; Oral-facial-digital syndrome type 6. Identifiers: Orphanet 2754, MedGen C2745997, MONDO:0010176, OMIM 277170.

Allele frequency attached by ClinVar (database versions not stated): ExAC 0.00006; gnomAD exomes 0.00006 and 0.00009; gnomAD 0.00008; TOPMed 0.00008; ESP Exome Variant Server 0.00015; 1000 Genomes Project 0.00040; 1000 Genomes Project 30x 0.00047.
gnomAD v4.1: 96 of 1,584,802 alleles (0.0061%); highest among the groups gnomAD compares: Admixed American, 0.029%; 1 homozygote.

Submissions (3):

Fulgent Genetics
Classification: Uncertain significance for Orofaciodigital syndrome type 6; Joubert syndrome 17. Last evaluated: 2024-01-16. Review status: criteria provided, single submitter. Criteria: ACMG Guidelines, 2015. Collection method: clinical testing. Allele origin: germline.

Labcorp Genetics (formerly Invitae), Labcorp
Classification: Uncertain significance. Last evaluated: 2022-10-17. Review status: criteria provided, single submitter. Criteria: Invitae Variant Classification Sherloc (09022015). Collection method: clinical testing. Allele origin: germline.
Comment: This sequence change replaces threonine, which is neutral and polar, with isoleucine, which is neutral and non-polar, at codon 2771 of the CPLANE1 protein (p.Thr2771Ile). This variant is present in population databases (rs142316931, gnomAD 0.03%). This variant has not been reported in the literature in individuals affected with CPLANE1-related conditions. ClinVar contains an entry for this variant (Variation ID: 904434). Advanced modeling of protein sequence and biophysical properties (such as structural, functional, and spatial information, amino acid conservation, physicochemical variation, residue mobility, and thermodynamic stability) performed at Invitae indicates that this missense variant is not expected to disrupt CPLANE1 protein function. In summary, the available evidence is currently insufficient to determine the role of this variant in disease. Therefore, it has been classified as a Variant of Uncertain Significance.

Illumina Laboratory Services, Illumina
Classification: Uncertain significance for Joubert syndrome 17. Last evaluated: 2018-03-23. Review status: criteria provided, single submitter. Criteria: ICSL Variant Classification Criteria 13 December 2019. Collection method: clinical testing. Allele origin: germline.